The following is an entry in ClinVar:

NM_002941.4(ROBO1):c.3880C>G (p.Gln1294Glu)

Gene: ROBO1 (roundabout guidance receptor 1; minus strand). Cytogenetic location: 3p12.3.
Variant type: single nucleotide variant.
Coding change: c.3880C>G on transcript NM_002941.4 (MANE Select); coding-DNA position 3880, C replaced by G.
Protein change: p.Gln1294Glu; replaces glutamine 1294 with glutamic acid.
Molecular consequence: missense variant.
Genome position (GRCh38, 1-based): chr3:78,618,037, G>C on the plus strand (C>G on the coding strand, the complement: ROBO1 is on the minus strand). VCF-style: chr3-78618037-G-C. GRCh37 (hg19) VCF-style: chr3-78667187-G-C.
Other names: c.3580C>G, p.Gln1194Glu (NM_001145845.2); c.3745C>G, p.Gln1249Glu (NM_133631.4); short protein forms Q1194E, Q1294E, Q1249E.
Identifiers: ClinVar variation 3635770 (VCV003635770.2).

ClinVar aggregate classification (germline): Uncertain significance (1 of 4 stars; one submission).

Submission:

Labcorp Genetics (formerly Invitae), Labcorp
Classification: Uncertain significance. Last evaluated: 2024-11-20. Review status: criteria provided, single submitter. Criteria: Invitae Variant Classification Sherloc (09022015). Collection method: clinical testing. Allele origin: germline.
Comment: This sequence change replaces glutamine, which is neutral and polar, with glutamic acid, which is acidic and polar, at codon 1294 of the ROBO1 protein (p.Gln1294Glu). This variant is not present in population databases (gnomAD no frequency). This variant has not been reported in the literature in individuals affected with ROBO1-related conditions. Invitae Evidence Modeling of protein sequence and biophysical properties (such as structural, functional, and spatial information, amino acid conservation, physicochemical variation, residue mobility, and thermodynamic stability) indicates that this missense variant is not expected to disrupt ROBO1 protein function with a negative predictive value of 95%. In summary, the available evidence is currently insufficient to determine the role of this variant in disease. Therefore, it has been classified as a Variant of Uncertain Significance.